The following is an entry in ClinVar:

ClinVar aggregate classification (germline): Uncertain significance (1 of 4 stars; one submission).

gnomAD v4.1: 4 of 1,479,484 alleles (0.00027%); no homozygotes.

Submission:

Labcorp Genetics (formerly Invitae), Labcorp
Classification: Uncertain significance. Last evaluated: 2024-03-18. Review status: criteria provided, single submitter. Criteria: Invitae Variant Classification Sherloc (09022015). Collection method: clinical testing. Allele origin: germline.
Comment: This sequence change replaces leucine, which is neutral and non-polar, with arginine, which is basic and polar, at codon 58 of the SORL1 protein (p.Leu58Arg). This variant is present in population databases (no rsID available, gnomAD 0.02%). This variant has not been reported in the literature in individuals affected with SORL1-related conditions. An algorithm developed to predict the effect of missense changes on protein structure and function (PolyPhen-2) suggests that this variant is likely to be tolerated. In summary, the available evidence is currently insufficient to determine the role of this variant in disease. Therefore, it has been classified as a Variant of Uncertain Significance.

NM_003105.6(SORL1):c.173T>G (p.Leu58Arg)

Genes: SORL1 (sortilin related receptor 1; plus strand), SORL1-AS1 (SORL1 antisense RNA 1; minus strand). Cytogenetic location: 11q24.1.
Variant type: single nucleotide variant.
Coding change: c.173T>G on transcript NM_003105.6 (MANE Select); coding-DNA position 173, T replaced by G.
Protein change: p.Leu58Arg; replaces leucine 58 with arginine.
Molecular consequence: missense variant.
Genome position (GRCh38, 1-based): chr11:121,452,504, T>G. VCF-style: chr11-121452504-T-G. GRCh37 (hg19) VCF-style: chr11-121323213-T-G.
Other names: short protein forms L58R.
Identifiers: ClinVar variation 3645610 (VCV003645610.2).
Genomic context (GRCh38, chr11:121,452,504, plus strand): 5'-GCAGCGCGCCCTTGCCCCAGGACCGGGGCTTCCTCGTGGTGCAGGGCGACCCGCGCGAGC[T>G]GCGGCTGTGGGCGCGCGGGGATGCCAGGGGGGCGAGCCGCGCGGACGAGAAGCCGCTCCG-3'
Protein context (NP_003096.2, residues 48-68): FLVVQGDPRE[Leu58Arg]RLWARGDARG